The following is an entry in ClinVar:

NM_199420.4(POLQ):c.4339C>G (p.Gln1447Glu)

Gene: POLQ (DNA polymerase theta; minus strand). Cytogenetic location: 3q13.33.
Variant type: single nucleotide variant.
Coding change: c.4339C>G on transcript NM_199420.4 (MANE Select); coding-DNA position 4339, C replaced by G.
Protein change: p.Gln1447Glu; replaces glutamine 1447 with glutamic acid.
Molecular consequence: missense variant.
Genome position (GRCh38, 1-based): chr3:121,488,592, G>C on the plus strand (C>G on the coding strand, the complement: POLQ is on the minus strand). VCF-style: chr3-121488592-G-C. GRCh37 (hg19) VCF-style: chr3-121207439-G-C.
Other names: short protein forms Q1447E.
Identifiers: ClinVar variation 1739835 (VCV001739835.2), dbSNP rs1289621929, ClinGen allele CA354095363.

ClinVar aggregate classification (germline): Uncertain significance (1 of 4 stars; one submission).

Submission:

Ambry Genetics
Classification: Uncertain significance. Last evaluated: 2022-09-11. Review status: criteria provided, single submitter. Criteria: Ambry Variant Classification Scheme 2023. Collection method: clinical testing. Allele origin: germline.
Comment: The p.Q1447E variant (also known as c.4339C>G), located in coding exon 16 of the POLQ gene, results from a C to G substitution at nucleotide position 4339. The glutamine at codon 1447 is replaced by glutamic acid, an amino acid with highly similar properties. This amino acid position is conserved. In addition, this alteration is predicted to be tolerated by in silico analysis. Since supporting evidence is limited at this time, the clinical significance of this alteration remains unclear.